The following is an entry in ClinVar:

ClinVar aggregate classification (germline): Conflicting classifications of pathogenicity. Review status: criteria provided, conflicting classifications (1 of 4 stars). 2 submissions from 2 submitters: Likely pathogenic (1); Uncertain significance (1). Last evaluated 2025-10-30.

Conditions:
CTCF-related neurodevelopmental disorder. Also called: INTELLECTUAL DEVELOPMENTAL DISORDER, AUTOSOMAL DOMINANT 21; Intellectual disability-feeding difficulties-developmental delay-microcephaly syndrome. Identifiers: Orphanet 363611, MedGen C3809686, MONDO:0014213, OMIM 615502.

Submissions (2):

Victorian Clinical Genetics Services, Murdoch Childrens Research Institute
Classification: Likely pathogenic for CTCF-related neurodevelopmental disorder. Last evaluated: 2025-10-30. Review status: criteria provided, single submitter. Criteria: ACMG Guidelines, 2015. Collection method: clinical testing. Allele origin: germline. Affected: yes.
Comment: This variant is classified as Likely pathogenic. Evidence in support of pathogenic classification: Variant is absent from gnomAD (v2, v3 and v4); Missense variant in a region that is highly intolerant to missense variation (high constraint region in DECIPHER); Additional information: Variant is predicted to result in a missense amino acid change from Met to Thr; This variant is heterozygous; This gene is associated with autosomal dominant disease; Previous evidence of pathogenicity for this variant is inconclusive. This variant has been classified as a VUS by a clinical laboratory in ClinVar; No published evidence of segregation with disease has been identified for this variant; No published functional evidence has been identified for this variant; No comparable missense variants have previous evidence for pathogenicity; Missense variant with inconclusive in silico prediction and/or uninformative conservation; Loss of function is a known mechanism of disease in this gene and is associated with intellectual developmental disorder, autosomal dominant 21 (MIM#615502).

GeneDx
Classification: Uncertain significance. Last evaluated: 2022-01-25. Review status: criteria provided, single submitter. Criteria: GeneDx Variant Classification Process June 2021. Collection method: clinical testing. Allele origin: germline. Affected: yes.
Comment: Has not been previously published as pathogenic or benign to our knowledge; Not observed at significant frequency in large population cohorts (gnomAD); In silico analysis supports that this missense variant has a deleterious effect on protein structure/function

NM_006565.4(CTCF):c.1064T>C (p.Met355Thr)

Gene: CTCF (CCCTC-binding factor; plus strand). Cytogenetic location: 16q22.1.
Variant type: single nucleotide variant.
Coding change: c.1064T>C on transcript NM_006565.4 (MANE Select); coding-DNA position 1064, T replaced by C.
Protein change: p.Met355Thr; replaces methionine 355 with threonine.
Molecular consequence: missense variant.
Genome position (GRCh38, 1-based): chr16:67,616,856, T>C. VCF-style: chr16-67616856-T-C. GRCh37 (hg19) VCF-style: chr16-67650759-T-C.
Other names: c.80T>C, p.Met27Thr (NM_001191022.2); c.1064T>C, p.Met355Thr (NM_001363916.2); short protein forms M27T, M355T.
Identifiers: ClinVar variation 1698286 (VCV001698286.3), dbSNP rs2142839733, ClinGen allele CA396312578.